The following is an entry in ClinVar:

NM_145868.2(ANXA11):c.*4G>T

Gene: ANXA11 (annexin A11; minus strand). Cytogenetic location: 10q22.3.
Variant type: single nucleotide variant.
Coding change: c.*4G>T on transcript NM_145868.2 (MANE Select); 4 bases downstream of the stop codon, G replaced by T.
Molecular consequence: 3 prime UTR variant.
Genome position (GRCh38, 1-based): chr10:80,155,849, C>A on the plus strand (G>T on the coding strand, the complement: ANXA11 is on the minus strand). VCF-style: chr10-80155849-C-A. GRCh37 (hg19) VCF-style: chr10-81915605-C-A.
Other names: c.*4G>T (NM_001157.3, NM_001278407.2, NM_001278408.2 and 2 more transcripts).
Identifiers: ClinVar variation 3039513 (VCV003039513.2), dbSNP rs200104175, ClinGen allele CA5575710.

ClinVar aggregate classification (germline): Likely benign (0 of 4 stars; one submission).

Conditions:
ANXA11-related disorder. Also called: ANXA11-related condition.

Allele frequency attached by ClinVar (database versions not stated): gnomAD exomes 0.00012; gnomAD 0.00014; ESP Exome Variant Server 0.00015; ExAC 0.00021.
gnomAD v4.1: 212 of 1,614,148 alleles (0.013%); highest among the groups gnomAD compares: Middle Eastern, 0.15%; no homozygotes.

Submission:

PreventionGenetics, part of Exact Sciences
Classification: Likely benign for ANXA11-related condition. Last evaluated: 2019-04-26. Review status: no assertion criteria provided. Collection method: clinical testing. Allele origin: germline.
Comment: This variant is classified as likely benign based on ACMG/AMP sequence variant interpretation guidelines (Richards et al. 2015 PMID: 25741868, with internal and published modifications).